The following is an entry in ClinVar:

ClinVar aggregate classification (germline): Pathogenic/Likely pathogenic. Review status: criteria provided, multiple submitters, no conflicts (2 of 4 stars). 6 submissions from 6 submitters: Pathogenic (4); Likely pathogenic (2). Last evaluated 2025-06-18.

Conditions:
COL1A1-related disorder. Also called: COL1A1- related disease; COL1A1-related condition.
Combined osteogenesis imperfecta and Ehlers-Danlos syndrome 1. Also called: OIEDS SYNDROME 1. Identifiers: MedGen C5436842, MONDO:0030854, OMIM 619115.
Osteogenesis imperfecta, perinatal lethal (OI2). Also called: OI, TYPE II; OSTEOGENESIS IMPERFECTA CONGENITA; VROLIK TYPE OF OSTEOGENESIS IMPERFECTA; OSTEOGENESIS IMPERFECTA, TYPE II; Osteogenesis imperfecta, dominant perinatal lethal; Osteogenesis imperfecta type 2. Identifiers: Orphanet 216804, MedGen C0268358, MONDO:0008147, OMIM 166210.
Osteogenesis imperfecta type III (OI3). Also called: Progressively Deforming Osteogenesis Imperfecta; Osteogenesis imperfecta type 3; OI type 3; Osteogenesis imperfecta, progressively deforming with normal sclerae; OI type III. Identifiers: Orphanet 216812, Orphanet 666, MedGen C0268362, MONDO:0009804, OMIM 259420.
Osteogenesis imperfecta type I (OI1). Also called: OI, TYPE I; OSTEOGENESIS IMPERFECTA TARDA; OSTEOGENESIS IMPERFECTA WITH BLUE SCLERAE; Classic Non-deforming Osteogenesis Imperfecta with Blue Sclerae; Osteogenesis imperfecta type 1; Lobstein's Disease. Identifiers: Orphanet 216796, Orphanet 666, MedGen C0023931, MONDO:0008146, OMIM 166200. Disease mechanism: loss of function.
Osteogenesis imperfecta with normal sclerae, dominant form (OI4). Also called: OSTEOGENESIS IMPERFECTA WITH NORMAL SCLERAE; Osteogenesis imperfecta type 4; OSTEOGENESIS IMPERFECTA, TYPE IV, WITH DENTINOGENESIS IMPERFECTA; Osteogenesis Imperfecta Type IV; Common Variable Osteogenesis Imperfecta with Normal Sclerae. Identifiers: Orphanet 216820, Orphanet 666, MedGen C0268363, MONDO:0008148, OMIM 166220.

Submissions (6):

Victorian Clinical Genetics Services, Murdoch Childrens Research Institute
Classification: Pathogenic for Osteogenesis imperfecta, perinatal lethal. Last evaluated: 2025-06-18. Review status: criteria provided, single submitter. Criteria: ACMG Guidelines, 2015. Collection method: clinical testing. Allele origin: germline. Affected: yes.
Comment: This variant is classified as Pathogenic. Evidence in support of pathogenic classification: Variant is absent from gnomAD (v2, v3 and v4); This variant has strong previous evidence of pathogenicity in unrelated individuals. This variant has been classified as pathogenic and likely pathogenic by clinical laboratories in ClinVar, and reported in the literature in two fetuses with osteogenesis imperfecta, type II (PMID: 18996919); Variant is located in the well-established functional Gly-X-Y motif in the collagen triple helical region (DECIPHER); Missense variant predicted to be damaging by in silico tool(s) or highly conserved with a major amino acid change; Additional information: Variant is predicted to result in a missense amino acid change from glycine to serine; This variant is heterozygous; This gene is associated with autosomal dominant disease; Dominant negative and loss of function are known mechanisms of disease in this gene and are associated with osteogenesis imperfecta (OI) types I-IV, and other conditions (OMIM). Variants resulting in a truncated protein are known to have a loss of function effect on protein, while missense variants affecting the G-X-Y of a triple helix motif have a dominant negative effect (PMID: 27509835, PMID: 12362985); Variants in this gene are known to have variable expressivity (PMID: 20301472).

Blueprint Genetics
Classification: Likely pathogenic for COL1A1-related disorders. Last evaluated: 2024-09-13. Review status: criteria provided, single submitter. Criteria: ACMG Guidelines, 2015. Collection method: clinical testing. Allele origin: germline. Affected: yes. Observed: 1 variant allele.

New York Genome Center
Classification: Pathogenic for Osteogenesis imperfecta with normal sclerae, dominant form; Osteogenesis imperfecta type III; Osteogenesis imperfecta, perinatal lethal; Osteogenesis imperfecta type I; Combined osteogenesis imperfecta and Ehlers-Danlos syndrome 1. Last evaluated: 2024-07-26. Review status: criteria provided, single submitter. Criteria: NYGC Assertion Criteria 2020. Collection method: clinical testing. Allele origin: de novo. Affected: yes. Observed: 1 variant allele, 1 heterozygote.
Comment: The c.2650G>A variant in the COL1A1 gene has previously been reported in two fetuses with OI Type II [PMID:18996919]. The c.2650G>Avariant is absent in population databases (gnomAD v4.0.0 and All of US), suggesting it is not a common benign variant in the populations represented in that database. The c.2650G>A variant has been deposited in ClinVar [ClinVar ID:618019] as a Pathogenic (2 submissions) and Likely pathogenic (1 submission). The c.7565G>A variant is located in exon 38 of this 51-exon gene and is predicted to replace a highly conserved glycine amino acid with serine at position 884(p.(Gly884Ser)) in the triple helical domain of COL1A1 protein [PMID:18996919]. In silico predictions are in favor of the variant’s deleterious effect [REVEL score = 0.97]; however, functional studies to support or refute these predictions have not been reported. Glycine substitutions in collagen genes are often pathogenic due to the role of glycine residues in the formation of triple helical collagen fibers, the substitution of which leads to aberrant assembly of collagen fibers and a dominant negative molecular mechanism [PMID:17078022]. Based on available evidence this c.2650G>A p.(Gly884Ser) variant identified in COL1A1 is classified as Pathogenic.

PreventionGenetics, part of Exact Sciences
Classification: Pathogenic for COL1A1-related condition. Last evaluated: 2023-05-22. Review status: criteria provided, single submitter. Criteria: ACMG Guidelines, 2015. Collection method: clinical testing. Allele origin: germline.
Comment: The COL1A1 c.2650G>A variant is predicted to result in the amino acid substitution p.Gly884Ser. This variant was reported in an individual with osteogenesis imperfecta type II (Table 2, Bodian et al. 2009. PubMed ID: 18996919). This variant is located in the conserved Gly-Xaa-Yaa triple helical domain where substitutions of a glycine are usually pathogenic (Marini et al. 2007. PubMed ID: 17078022). This variant has not been reported in a large population database, indicating this variant is rare. This variant is interpreted as pathogenic.

Revvity Omics, Revvity
Classification: Pathogenic. Last evaluated: 2022-11-24. Review status: criteria provided, single submitter. Criteria: ACMG Guidelines, 2015. Collection method: clinical testing. Allele origin: germline.

ARUP Laboratories, Molecular Genetics and Genomics, ARUP Laboratories
Classification: Likely pathogenic. Last evaluated: 2017-08-08. Review status: criteria provided, single submitter. Criteria: ARUP Molecular Germline Variant Investigation Process. Collection method: clinical testing. Allele origin: germline.

Literature cited by the submitters: PubMed 27509835 (cited by Victorian Clinical Genetics Services, Murdoch Childrens Research Institute); PubMed 12362985 (cited by Victorian Clinical Genetics Services, Murdoch Childrens Research Institute); PubMed 18996919 (cited by Victorian Clinical Genetics Services, Murdoch Childrens Research Institute and New York Genome Center); PubMed 20301472 (cited by Victorian Clinical Genetics Services, Murdoch Childrens Research Institute).

NM_000088.4(COL1A1):c.2650G>A (p.Gly884Ser)

Gene: COL1A1 (collagen type I alpha 1 chain; minus strand). Cytogenetic location: 17q21.33.
Variant type: single nucleotide variant.
Coding change: c.2650G>A on transcript NM_000088.4 (MANE Select); coding-DNA position 2650, G replaced by A.
Protein change: p.Gly884Ser; replaces glycine 884 with serine.
Molecular consequence: missense variant.
Genome position (GRCh38, 1-based): chr17:50,189,696, C>T on the plus strand (G>A on the coding strand, the complement: COL1A1 is on the minus strand). VCF-style: chr17-50189696-C-T. GRCh37 (hg19) VCF-style: chr17-48267057-C-T.
Other names: short protein forms G884S.
Identifiers: ClinVar variation 618019 (VCV000618019.15), dbSNP rs1567755602, ClinGen allele CA400207006.
Genomic context (GRCh38, chr17:50,189,696, plus strand): 5'-GCACCCCCAACCTAGAGCAGTGGACTCTGCTGCAGAGACTTACAGAGGGGCCAGGAGGAC[C>T]GACTCGGCCAGCAGCACCAGGGAAACCAGTAGCACCCTGGAAGGAGAGAACATAGGAACA-3'
Protein context (NP_000079.2, residues 874-894): TGFPGAAGRV[Gly884Ser]PPGPSGNAGP